The following is an entry in ClinVar:

NM_001369.3(DNAH5):c.5418_5419insACACTCA (p.Ala1807fs)

Gene: DNAH5 (dynein axonemal heavy chain 5; minus strand). Cytogenetic location: 5p15.2.
Variant type: Insertion.
Coding change: c.5418_5419insACACTCA on transcript NM_001369.3 (MANE Select); coding-DNA positions 5418 to 5419, ACACTCA inserted.
Protein change: p.Ala1807fs; shifts the reading frame from alanine 1807.
Molecular consequence: frameshift variant.
Genome position: GRCh38 VCF-style: chr5-13841757-C-CTGAGTGT. GRCh37 (hg19) VCF-style: chr5-13841866-C-CTGAGTGT.
Other names: short protein forms A1807fs.
Identifiers: ClinVar variation 5010834 (VCV005010834.1).

ClinVar aggregate classification (germline): Pathogenic (1 of 4 stars; one submission).

Conditions:
Primary ciliary dyskinesia 3. Identifiers: Orphanet 244, MedGen C1837618, MONDO:0012085, OMIM 608644.

Submission:

Myriad Genetics, Inc.
Classification: Pathogenic for Primary ciliary dyskinesia 3. Last evaluated: 2024-05-14. Review status: criteria provided, single submitter. Criteria: Myriad Autosomal Dominant, Autosomal Recessive and X-Linked Classification Criteria (2023). Collection method: clinical testing. Allele origin: unknown.
Comment: NM_001369.2(DNAH5):c.5418_5419ins7(A1807Tfs*16) is expected to be pathogenic in the context of primary ciliary dyskinesia, DNAH5-related. This variant is predicted to lead to an abnormal or absent protein product due to the creation of a premature termination codon in DNAH5, a gene where loss-of-function variants are known to be pathogenic. Please note: this variant was assessed in the context of healthy population screening.